The following is an entry in ClinVar:

ClinVar aggregate classification (germline): Benign (0 of 4 stars; one submission).

Conditions:
RMI1-related disorder. Also called: RMI1-related condition.

Allele frequency attached by ClinVar (database versions not stated): gnomAD exomes 0.00069; ExAC 0.00218; ESP Exome Variant Server 0.00615; gnomAD 0.00631; TOPMed 0.00720; 1000 Genomes Project 0.00799; 1000 Genomes Project 30x 0.00921.
gnomAD v4.1: 2,026 of 1,613,960 alleles (0.13%); highest among the groups gnomAD compares: African/African-American, 2.1%; 22 homozygotes.

Submission:

PreventionGenetics, part of Exact Sciences
Classification: Benign for RMI1-related condition. Last evaluated: 2020-01-06. Review status: no assertion criteria provided. Collection method: clinical testing. Allele origin: germline.
Comment: This variant is classified as benign based on ACMG/AMP sequence variant interpretation guidelines (Richards et al. 2015 PMID: 25741868, with internal and published modifications).

NM_001358291.2(RMI1):c.592T>C (p.Leu198=)

Gene: RMI1 (RecQ mediated genome instability 1; plus strand). Cytogenetic location: 9q21.32.
Variant type: single nucleotide variant.
Coding change: c.592T>C on transcript NM_001358291.2 (MANE Select); coding-DNA position 592, T replaced by C.
Protein change: p.Leu198=; no amino-acid change (leucine 198 retained).
Molecular consequence: synonymous variant.
Genome position (GRCh38, 1-based): chr9:84,001,578, T>C. VCF-style: chr9-84001578-T-C. GRCh37 (hg19) VCF-style: chr9-86616493-T-C.
Other names: c.592T>C, p.Leu198= (NM_001358292.2, NM_001358293.2, NM_001358294.2 and 1 more transcripts).
Identifiers: ClinVar variation 3037435 (VCV003037435.2), dbSNP rs35657089, ClinGen allele CA5104453.